The following is an entry in ClinVar:

ClinVar aggregate classification (germline): Uncertain significance (1 of 4 stars; one submission).

Conditions:
Parkinson disease 17 (PARK17). Also called: VPS35-Related Parkinson Disease. Identifiers: Orphanet 411602, MedGen C3280133, MONDO:0013625, OMIM 614203.

Submission:

Labcorp Genetics (formerly Invitae), Labcorp
Classification: Uncertain significance for Parkinson disease 17. Last evaluated: 2025-02-10. Review status: criteria provided, single submitter. Criteria: Invitae Variant Classification Sherloc (09022015). Collection method: clinical testing. Allele origin: germline.
Comment: This sequence change replaces threonine, which is neutral and polar, with alanine, which is neutral and non-polar, at codon 172 of the VPS35 protein (p.Thr172Ala). This variant is not present in population databases (gnomAD no frequency). This variant has not been reported in the literature in individuals affected with VPS35-related conditions. Invitae Evidence Modeling of protein sequence and biophysical properties (such as structural, functional, and spatial information, amino acid conservation, physicochemical variation, residue mobility, and thermodynamic stability) indicates that this missense variant is not expected to disrupt VPS35 protein function with a negative predictive value of 80%. In summary, the available evidence is currently insufficient to determine the role of this variant in disease. Therefore, it has been classified as a Variant of Uncertain Significance.

NM_018206.6(VPS35):c.514A>G (p.Thr172Ala)

Gene: VPS35 (VPS35 retromer complex component; minus strand). Cytogenetic location: 16q11.2.
Variant type: single nucleotide variant.
Coding change: c.514A>G on transcript NM_018206.6 (MANE Select); coding-DNA position 514, A replaced by G.
Protein change: p.Thr172Ala; replaces threonine 172 with alanine.
Molecular consequence: missense variant.
Genome position (GRCh38, 1-based): chr16:46,679,149, T>C on the plus strand (A>G on the coding strand, the complement: VPS35 is on the minus strand). VCF-style: chr16-46679149-T-C. GRCh37 (hg19) VCF-style: chr16-46713061-T-C.
Other names: short protein forms T172A.
Identifiers: ClinVar variation 3666388 (VCV003666388.2).
Genomic context (GRCh38, chr16:46,679,149, plus strand): 5'-TGTTCATTTCTGCAAAGTTGAGCAGTACAAAATCCATGGAATCACTGATGTCACCAGTTG[T>C]TTCTTCACTGCAAAGAAACAGAAAAGTCTTTACACAGTATTTACAGGACCAACTTACTAC-3'
Protein context (NP_060676.2, residues 162-182): PDEGEPTDEE[Thr172Ala]TGDISDSMDF